The following is an entry in ClinVar:

ClinVar aggregate classification (germline): Uncertain significance (1 of 4 stars; one submission).

Allele frequency attached by ClinVar (database versions not stated): gnomAD exomes below 0.00001.
gnomAD v4.1: 1 of 1,209,960 alleles (0.000083%); highest among the groups gnomAD compares: East Asian, 0.003%; no homozygotes.

Submission:

Labcorp Genetics (formerly Invitae), Labcorp
Classification: Uncertain significance. Last evaluated: 2021-12-15. Review status: criteria provided, single submitter. Criteria: Invitae Variant Classification Sherloc (09022015). Collection method: clinical testing. Allele origin: germline.
Comment: In summary, the available evidence is currently insufficient to determine the role of this variant in disease. Therefore, it has been classified as a Variant of Uncertain Significance. Algorithms developed to predict the effect of missense changes on protein structure and function (SIFT, PolyPhen-2, Align-GVGD) all suggest that this variant is likely to be tolerated. This variant has not been reported in the literature in individuals affected with CACNA1F-related conditions. This variant is not present in population databases (gnomAD no frequency). This sequence change replaces glycine, which is neutral and non-polar, with glutamic acid, which is acidic and polar, at codon 1947 of the CACNA1F protein (p.Gly1947Glu).

NM_001256789.3(CACNA1F):c.5807G>A (p.Gly1936Glu)

Gene: CACNA1F (calcium voltage-gated channel subunit alpha1 F; minus strand). Cytogenetic location: Xp11.23.
Variant type: single nucleotide variant.
Coding change: c.5807G>A on transcript NM_001256789.3 (MANE Select); coding-DNA position 5807, G replaced by A.
Protein change: p.Gly1936Glu; replaces glycine 1936 with glutamic acid.
Molecular consequence: missense variant.
Genome position (GRCh38, 1-based): chrX:49,205,231, C>T on the plus strand (G>A on the coding strand, the complement: CACNA1F is on the minus strand). VCF-style: chrX-49205231-C-T. GRCh37 (hg19) VCF-style: chrX-49061691-C-T.
Other names: c.5645G>A, p.Gly1882Glu (NM_001256790.3); c.5840G>A, p.Gly1947Glu (NM_005183.4); short protein forms G1936E, G1882E, G1947E.
Identifiers: ClinVar variation 1474283 (VCV001474283.6), dbSNP rs1569527294, ClinGen allele CA412956080.